The following is an entry in ClinVar:

NM_004336.5(BUB1):c.2471A>G (p.Lys824Arg)

Gene: BUB1 (BUB1 mitotic checkpoint serine/threonine kinase; minus strand). Cytogenetic location: 2q13.
Variant type: single nucleotide variant.
Coding change: c.2471A>G on transcript NM_004336.5 (MANE Select); coding-DNA position 2471, A replaced by G.
Protein change: p.Lys824Arg; replaces lysine 824 with arginine.
Molecular consequence: missense variant.
Genome position (GRCh38, 1-based): chr2:110,641,796, T>C on the plus strand (A>G on the coding strand, the complement: BUB1 is on the minus strand). VCF-style: chr2-110641796-T-C. GRCh37 (hg19) VCF-style: chr2-111399373-T-C.
Other names: c.2411A>G, p.Lys804Arg (NM_001278616.2); c.2471A>G, p.Lys824Arg (NM_001278617.2); short protein forms K804R, K824R.
Identifiers: ClinVar variation 1791782 (VCV001791782.3), dbSNP rs2467972466, ClinGen allele CA348090670.

ClinVar aggregate classification (germline): Uncertain significance (1 of 4 stars; one submission).

Allele frequency attached by ClinVar (database versions not stated): gnomAD exomes below 0.00001.
gnomAD v4.1: 1 of 1,602,612 alleles (0.000062%); highest among the groups gnomAD compares: South Asian, 0.0011%; no homozygotes.

Submission:

Ambry Genetics
Classification: Uncertain significance. Last evaluated: 2023-08-25. Review status: criteria provided, single submitter. Criteria: Ambry Variant Classification Scheme 2023. Collection method: clinical testing. Allele origin: germline.
Comment: The p.K824R variant (also known as c.2471A>G), located in coding exon 21 of the BUB1 gene, results from an A to G substitution at nucleotide position 2471. The lysine at codon 824 is replaced by arginine, an amino acid with highly similar properties. This amino acid position is conserved. In addition, this alteration is predicted to be tolerated by in silico analysis. Since supporting evidence is limited at this time, the clinical significance of this alteration remains unclear.